The following is an entry in ClinVar:

ClinVar aggregate classification (germline): Uncertain significance (1 of 4 stars; one submission).

Conditions:
Nephronophthisis. Also called: Juvenile Nephronophthisis. Identifiers: Orphanet 655, MedGen C0687120, MONDO:0019005, HP:0000090.

gnomAD v4.1: 7 of 1,608,046 alleles (0.00044%); highest among the groups gnomAD compares: Non-Finnish European, 0.0006%; no homozygotes.

Submission:

Labcorp Genetics (formerly Invitae), Labcorp
Classification: Uncertain significance for Nephronophthisis. Last evaluated: 2022-03-01. Review status: criteria provided, single submitter. Criteria: Invitae Variant Classification Sherloc (09022015). Collection method: clinical testing. Allele origin: germline.
Comment: This sequence change replaces glycine, which is neutral and non-polar, with alanine, which is neutral and non-polar, at codon 292 of the NPHP1 protein (p.Gly292Ala). This variant is present in population databases (no rsID available, gnomAD 0.0009%). This variant has not been reported in the literature in individuals affected with NPHP1-related conditions. Algorithms developed to predict the effect of missense changes on protein structure and function (SIFT, PolyPhen-2, Align-GVGD) all suggest that this variant is likely to be tolerated. Algorithms developed to predict the effect of sequence changes on RNA splicing suggest that this variant may create or strengthen a splice site. In summary, the available evidence is currently insufficient to determine the role of this variant in disease. Therefore, it has been classified as a Variant of Uncertain Significance.

NM_001128178.3(NPHP1):c.771+104G>C

Gene: NPHP1 (nephrocystin 1; minus strand). Cytogenetic location: 2q13.
Variant type: single nucleotide variant.
Coding change: c.771+104G>C on transcript NM_001128178.3 (MANE Select); 104 bases into the intron after coding-DNA position 771, G replaced by C.
Molecular consequence: intron variant. On other transcripts: missense variant (2).
Genome position (GRCh38, 1-based): chr2:110,164,584, C>G on the plus strand (G>C on the coding strand, the complement: NPHP1 is on the minus strand). VCF-style: chr2-110164584-C-G. GRCh37 (hg19) VCF-style: chr2-110922161-C-G.
Other names: c.875G>C, p.Gly292Ala (NM_000272.5, NM_207181.4); c.585+104G>C (NM_001128179.3); c.771+104G>C (NM_001374256.1, NM_001374257.1); short protein forms G292A.
Identifiers: ClinVar variation 2158399 (VCV002158399.1), dbSNP rs780903606, ClinGen allele CA53514712.